The following is an entry in ClinVar:

ClinVar aggregate classification (germline): Pathogenic (1 of 4 stars; one submission).

Conditions:
Osteogenesis imperfecta type 7 (OI7). Also called: Osteogenesis imperfecta type 2B; OI type 2B; Osteogenesis imperfecta, perinatal lethal autosomal recessive; OI type IIB; OSTEOGENESIS IMPERFECTA, TYPE IIB; OI type 7. Identifiers: MedGen C1853162, MONDO:0012536, OMIM 610682.

Submission:

Labcorp Genetics (formerly Invitae), Labcorp
Classification: Pathogenic for Osteogenesis imperfecta type 7. Last evaluated: 2023-05-31. Review status: criteria provided, single submitter. Criteria: Invitae Variant Classification Sherloc (09022015). Collection method: clinical testing. Allele origin: germline.
Comment: For these reasons, this variant has been classified as Pathogenic. This sequence change creates a premature translational stop signal (p.Asp53Thrfs*121) in the CRTAP gene. It is expected to result in an absent or disrupted protein product. Loss-of-function variants in CRTAP are known to be pathogenic (PMID: 17055431, 19862557, 24715559). This variant is not present in population databases (gnomAD no frequency). This variant has not been reported in the literature in individuals affected with CRTAP-related conditions.

Literature cited by the submitters: PubMed 17055431; PubMed 19862557; PubMed 24715559.

NM_006371.5(CRTAP):c.157del (p.Asp53fs)

Gene: CRTAP (cartilage associated protein; plus strand). Cytogenetic location: 3p22.3.
Variant type: Deletion.
Coding change: c.157del on transcript NM_006371.5 (MANE Select); coding-DNA position 157, one base deleted (G; older notation c.157delG).
Protein change: p.Asp53fs; shifts the reading frame from aspartic acid 53.
Molecular consequence: frameshift variant.
Genome position (GRCh38, 1-based): chr3:33,114,234, G deleted; the last of 2 consecutive G bases (chr3:33,114,233-33,114,234); deleting either gives the same sequence. VCF-style (leftmost placement, unchanged base first): chr3-33114232-TG-T. GRCh37 (hg19) VCF-style: chr3-33155724-TG-T.
Other names: c.157del, p.Asp53fs (NM_001393363.1, NM_001393364.1, NM_001393365.1); short protein forms D53fs.
Identifiers: ClinVar variation 2753603 (VCV002753603.3), dbSNP rs2471561228, ClinGen allele CA2697550754.